The following is an entry in ClinVar:

ClinVar aggregate classification (germline): Benign/Likely benign. Review status: criteria provided, multiple submitters, no conflicts (2 of 4 stars). 3 submissions from 3 submitters: Benign (1); Likely benign (2). Last evaluated 2025-08-28.

Conditions:
Hereditary cancer-predisposing syndrome. Also called: Hereditary Cancer Syndrome; Hereditary neoplastic syndrome; Neoplastic Syndromes, Hereditary; Tumor predisposition. Identifiers: Orphanet 140162, MedGen C0027672, MeSH D009386, MONDO:0015356.
Familial adenomatous polyposis 1 (FAP1). Also called: FAMILIAL ADENOMATOUS POLYPOSIS 1, ATTENUATED; POLYPOSIS, ADENOMATOUS INTESTINAL. Identifiers: MedGen C2713442, MONDO:0021056, OMIM 175100. Disease mechanism: loss of function.

Submissions (3):

Labcorp Genetics (formerly Invitae), Labcorp
Classification: Likely benign for Familial adenomatous polyposis 1. Last evaluated: 2025-08-28. Review status: criteria provided, single submitter. Criteria: Invitae Variant Classification Sherloc (09022015). Collection method: clinical testing. Allele origin: germline.

Myriad Genetics, Inc.
Classification: Benign for Familial adenomatous polyposis 1. Last evaluated: 2024-03-27. Review status: criteria provided, single submitter. Criteria: Myriad Autosomal Dominant, Autosomal Recessive and X-Linked Classification Criteria (2023). Collection method: clinical testing. Allele origin: unknown.
Comment: This variant is considered benign. This variant is a silent/synonymous amino acid change and it is not expected to impact splicing.

Ambry Genetics
Classification: Likely benign for Hereditary cancer-predisposing syndrome. Last evaluated: 2020-11-12. Review status: criteria provided, single submitter. Criteria: Ambry Variant Classification Scheme 2023. Collection method: clinical testing. Allele origin: germline.

NM_000038.6(APC):c.4647A>G (p.Gln1549=)

Gene: APC (APC regulator of Wnt signaling pathway; plus strand). Cytogenetic location: 5q22.2.
Variant type: single nucleotide variant.
Coding change: c.4647A>G on transcript NM_000038.6 (MANE Select); coding-DNA position 4647, A replaced by G.
Protein change: p.Gln1549=; no amino-acid change (glutamine 1549 retained).
Molecular consequence: synonymous variant.
Genome position (GRCh38, 1-based): chr5:112,840,241, A>G. VCF-style: chr5-112840241-A-G. GRCh37 (hg19) VCF-style: chr5-112175938-A-G.
Other names: c.4647A>G, p.Gln1549= (NM_001127510.3, NM_001354895.2); c.4593A>G, p.Gln1531= (NM_001127511.3); c.4701A>G, p.Gln1567= (NM_001354896.2); c.4677A>G, p.Gln1559= (NM_001354897.2); c.4572A>G, p.Gln1524= (NM_001354898.2); c.4563A>G, p.Gln1521= (NM_001354899.2); c.4524A>G, p.Gln1508= (NM_001354900.2); c.4470A>G, p.Gln1490= (NM_001354901.2); and 5 more.
Identifiers: ClinVar variation 753711 (VCV000753711.13), dbSNP rs1580650685, ClinGen allele CA446206645.
Genomic context (GRCh38, chr5:112,840,241, plus strand): 5'-GGAAAATGACAATGGGAATGAAACAGAATCAGAGCAGCCTAAAGAATCAAATGAAAACCA[A>G]GAGAAAGAGGCAGAAAAAACTATTGATTCTGAAAAGGACCTATTAGATGATTCAGATGAT-3'
Protein context (NP_000029.2, residues 1539-1559): SEQPKESNEN[Gln1549=]EKEAEKTIDS